The following is an entry in ClinVar:

NM_000271.5(NPC1):c.2620G>T (p.Asp874Tyr)

Gene: NPC1 (NPC intracellular cholesterol transporter 1; minus strand). Cytogenetic location: 18q11.2.
Variant type: single nucleotide variant.
Coding change: c.2620G>T on transcript NM_000271.5 (MANE Select); coding-DNA position 2620, G replaced by T.
Protein change: p.Asp874Tyr; replaces aspartic acid 874 with tyrosine.
Molecular consequence: missense variant.
Genome position (GRCh38, 1-based): chr18:23,539,986, C>A on the plus strand (G>T on the coding strand, the complement: NPC1 is on the minus strand). VCF-style: chr18-23539986-C-A. GRCh37 (hg19) VCF-style: chr18-21119950-C-A.
Other names: short protein forms D874Y.
Identifiers: ClinVar variation 3776070 (VCV003776070.1).
Genomic context (GRCh38, chr18:23,539,986, plus strand): 5'-CCAGGACAAAGTACACAGGCGGACCCGCATGCAGGTACTGACTGATGGATTTGAAATAAT[C>A]CACCATGTAGGAGTCCTGAAAGAAAGATAAAAGAATAGGAGAGAGTGTGAACACTCTGAT-3'
Protein context (NP_000262.2, residues 864-884): LSMPDDSYMV[Asp874Tyr]YFKSISQYLH

ClinVar aggregate classification (germline): Likely pathogenic (1 of 4 stars; one submission).

Conditions:
Niemann-Pick disease, type C1. Also called: NIEMANN-PICK DISEASE, VARIANT TYPE C1; NEUROVISCERAL STORAGE DISEASE WITH VERTICAL SUPRANUCLEAR OPHTHALMOPLEGIA; NIEMANN-PICK DISEASE WITH CHOLESTEROL ESTERIFICATION BLOCK; NIEMANN-PICK DISEASE WITHOUT SPHINGOMYELINASE DEFICIENCY; NIEMANN-PICK DISEASE, CHRONIC NEURONOPATHIC FORM. Identifiers: Orphanet 646, MedGen C3179455, MONDO:0009757, OMIM 257220.

Submission:

3billion
Classification: Likely pathogenic for Niemann-Pick disease, type C1. Last evaluated: 2023-08-02. Review status: criteria provided, single submitter. Criteria: ACMG Guidelines, 2015. Collection method: clinical testing. Allele origin: germline. Affected: yes.
Comment: The variant is not observed in the gnomAD v2.1.1 dataset. Predicted Consequence/Location: The variant is located in a mutational hot spot and/or well-established functional domain in which established pathogenic variants have been reported (PMID: 11333381, 15774455). In silico tool predictions suggest damaging effect of the variant on gene or gene product [REVEL: 0.69 (>=0.6, sensitivity 0.68 and specificity 0.92); 3Cnet: 0.74 (>=0.6, sensitivity 0.72 and precision 0.9)]. A different missense change at the same codon (p.Asp874Val) has been reported as pathogenic/likely pathogenic with strong evidence (ClinVar ID: VCV000194810 /PMID: 11333381). Therefore, this variant is classified as Likely pathogenic according to the recommendation of ACMG/AMP guideline.

Literature cited by the submitters: PubMed 11333381.